The following is an entry in ClinVar:

NM_000407.5(GP1BB):c.143C>T (p.Ser48Leu)

Genes: GP1BB (glycoprotein Ib platelet subunit beta; plus strand), SEPT5-GP1BB (SEPT5-GP1BB readthrough; plus strand). Cytogenetic location: 22q11.21.
Variant type: single nucleotide variant.
Coding change: c.143C>T on transcript NM_000407.5 (MANE Select); coding-DNA position 143, C replaced by T.
Protein change: p.Ser48Leu; replaces serine 48 with leucine.
Molecular consequence: missense variant. On other transcripts: non-coding transcript variant (2).
Genome position (GRCh38, 1-based): chr22:19,723,986, C>T. VCF-style: chr22-19723986-C-T. GRCh37 (hg19) VCF-style: chr22-19711509-C-T.
Other names: short protein forms S48L.
Identifiers: ClinVar variation 1049218 (VCV001049218.2), dbSNP rs536874549, ClinGen allele CA10102321.

ClinVar aggregate classification (germline): Uncertain significance. Review status: criteria provided, single submitter (1 of 4 stars). 2 submissions from 2 submitters: Uncertain significance (1). 1 of the submissions does not count toward it. Last evaluated 2022-05-04.

Conditions:
Bernard Soulier syndrome (BSS). Also called: VON WILLEBRAND FACTOR RECEPTOR DEFICIENCY; Giant platelet syndrome; Hemorrhagiparous thrombocytic dystrophy; Giant platelet disease; BLEEDING DISORDER, PLATELET-TYPE, 1; GLYCOPROTEIN Ib, PLATELET, DEFICIENCY OF. Identifiers: Orphanet 274, MedGen C0005129, MeSH D001606, MONDO:0009276, OMIM 231200.

Allele frequency attached by ClinVar (database versions not stated): gnomAD exomes 0.00002 and 0.00008; ExAC 0.00016; gnomAD 0.00027; TOPMed 0.00028; 1000 Genomes Project 30x 0.00094; 1000 Genomes Project 0.00140.

Submissions (2):

Fulgent Genetics
Classification: Uncertain significance for Bernard Soulier syndrome. Last evaluated: 2022-05-04. Review status: criteria provided, single submitter. Criteria: ACMG Guidelines, 2015. Collection method: clinical testing. Allele origin: unknown.

Department of Pathology and Laboratory Medicine, Sinai Health System
Classification: Uncertain significance. Review status: no assertion criteria provided. Collection method: clinical testing. Allele origin: unknown. Affected: yes. Study: The Canadian Open Genetics Repository (COGR). Not counted in ClinVar's aggregate classification.
Comment: The GP1BB p.Ser48Leu variant was not identified in the literature nor was it identified in ClinVar. The variant was identified in dbSNP (ID: rs536874549) and LOVD 3.0. The variant was identified in control databases in 16 of 164128 chromosomes at a frequency of 0.00009748 (Genome Aggregation Database March 6, 2019, v2.1.1). The variant was observed in the following populations: African in 15 of 12756 chromosomes (freq: 0.001176) and Latino in 1 of 25846 chromosomes (freq: 0.000039), but was not observed in the Ashkenazi Jewish, East Asian, European (Finnish), European (non-Finnish), Other, and South Asian populations. The p.Ser48 residue is conserved in mammals and computational analyses (PolyPhen-2, SIFT, AlignGVGD, BLOSUM, MutationTaster) provide inconsistent predictions regarding the impact to the protein; this information is not very predictive of pathogenicity. The variant occurs outside of the splicing consensus sequence and in silico or computational prediction software programs (SpliceSiteFinder, MaxEntScan, NNSPLICE, GeneSplicer) do not predict a difference in splicing. In summary, based on the above information the clinical significance of this variant cannot be determined with certainty at this time. This variant is classified as a variant of uncertain significance.